The following is an entry in ClinVar:

ClinVar aggregate classification (germline): Pathogenic (1 of 4 stars; one submission).

Submission:

Labcorp Genetics (formerly Invitae), Labcorp
Classification: Pathogenic. Last evaluated: 2022-08-10. Review status: criteria provided, single submitter. Criteria: Invitae Variant Classification Sherloc (09022015). Collection method: clinical testing. Allele origin: germline.
Comment: For these reasons, this variant has been classified as Pathogenic. A similar copy number variant has been observed in individual(s) with Usher syndrome (PMID: 25352746). This variant is a gross deletion of the genomic region encompassing exon(s) 1-4 of the USH2A gene, which includes the initiator codon. This deletion extends beyond the assayed region for this gene and therefore may encompass additional genes. It is expected to result in an absent or disrupted protein product. Loss-of-function variants in USH2A are known to be pathogenic (PMID: 10729113, 10909849, 20507924, 25649381).

Literature cited by the submitters: PubMed 25352746; PubMed 10729113; PubMed 10909849; PubMed 20507924; PubMed 25649381.

NC_000001.10:g.(?_216538275)_(216596610_?)del

Gene: USH2A (usherin; minus strand). Cytogenetic location: 1q41.
Variant type: Deletion.
Identifiers: ClinVar variation 1457264 (VCV001457264.5).